The following is an entry in ClinVar:

ClinVar aggregate classification (germline): Pathogenic (1 of 4 stars; one submission).

Conditions:
Zellweger spectrum disorders (ZS). Also called: Zellweger Spectrum Disorder; Zellweger Spectrum; Zellweger Spectrum Disorder (ZSD); Zellweger syndrome. Identifiers: Orphanet 912, MedGen C0043459, MONDO:0019609.

Submission:

Labcorp Genetics (formerly Invitae), Labcorp
Classification: Pathogenic for Zellweger spectrum disorders. Last evaluated: 2020-07-01. Review status: criteria provided, single submitter. Criteria: Invitae Variant Classification Sherloc (09022015). Collection method: clinical testing. Allele origin: germline.
Comment: Loss-of-function variants in PEX1 are known to be pathogenic (PMID: 9398847, 16086329, 16141001, 21031596). This variant has not been reported in the literature in individuals with PEX1-related conditions. This variant is not present in population databases (ExAC no frequency). This sequence change creates a premature translational stop signal (p.Glu1101*) in the PEX1 gene. It is expected to result in an absent or disrupted protein product. For these reasons, this variant has been classified as Pathogenic.

Literature cited by the submitters: PubMed 9398847; PubMed 16086329; PubMed 16141001; PubMed 21031596.

NM_000466.3(PEX1):c.3301G>T (p.Glu1101Ter)

Genes: PEX1 (peroxisomal biogenesis factor 1; minus strand), GATAD1 (GATA zinc finger domain containing 1; plus strand). Cytogenetic location: 7q21.2.
Variant type: single nucleotide variant.
Coding change: c.3301G>T on transcript NM_000466.3 (MANE Select); coding-DNA position 3301, G replaced by T.
Protein change: p.Glu1101Ter; replaces glutamic acid 1101 with a stop codon.
Molecular consequence: nonsense.
Genome position (GRCh38, 1-based): chr7:92,491,409, C>A on the plus strand (G>T on the coding strand, the complement: PEX1 is on the minus strand). VCF-style: chr7-92491409-C-A. GRCh37 (hg19) VCF-style: chr7-92120723-C-A.
Other names: c.3130G>T, p.Glu1044Ter (NM_001282677.2); c.2677G>T, p.Glu893Ter (NM_001282678.2); short protein forms E1044*, E1101*, E893*.
Identifiers: ClinVar variation 1076872 (VCV001076872.7), dbSNP rs2116059303, ClinGen allele CA368164174.
Genomic context (GRCh38, chr7:92,491,409, plus strand): 5'-ATTCATCTGGAAGGATCTCGGACATCTCTAAAGAAACAAGGGACTGATCTAAGCCACATT[C>A]TCCATCTCCAGCTGAATCGTCAGAGCCACTGCTATGGTTAAGAAAGACCATTGAAGACAG-3'